The following is an entry in ClinVar:

ClinVar aggregate classification (germline): Uncertain significance (1 of 4 stars; one submission).

Submission:

GeneDx
Classification: Uncertain significance. Last evaluated: 2023-10-16. Review status: criteria provided, single submitter. Criteria: GeneDx Variant Classification Process June 2021. Collection method: clinical testing. Allele origin: germline. Affected: yes.
Comment: Has not been previously published as pathogenic or benign to our knowledge; In silico analysis supports that this missense variant does not alter protein structure/function; Not observed at significant frequency in large population cohorts (gnomAD)

NM_003482.4(KMT2D):c.14470G>C (p.Ala4824Pro)

Gene: KMT2D (lysine methyltransferase 2D; minus strand). Cytogenetic location: 12q13.12.
Variant type: single nucleotide variant.
Coding change: c.14470G>C on transcript NM_003482.4 (MANE Select); coding-DNA position 14470, G replaced by C.
Protein change: p.Ala4824Pro; replaces alanine 4824 with proline.
Molecular consequence: missense variant.
Genome position (GRCh38, 1-based): chr12:49,028,054, C>G on the plus strand (G>C on the coding strand, the complement: KMT2D is on the minus strand). VCF-style: chr12-49028054-C-G. GRCh37 (hg19) VCF-style: chr12-49421837-C-G.
Other names: short protein forms A4824P.
Identifiers: ClinVar variation 2663001 (VCV002663001.1), dbSNP rs759709365, ClinGen allele CA384695059.